The following is an entry in ClinVar:

NM_001145026.2(PTPRQ):c.4513A>T (p.Lys1505Ter)

Gene: PTPRQ (protein tyrosine phosphatase receptor type Q; plus strand). Cytogenetic location: 12q21.31.
Variant type: single nucleotide variant.
Coding change: c.4513A>T on transcript NM_001145026.2 (MANE Select); coding-DNA position 4513, A replaced by T.
Protein change: p.Lys1505Ter; replaces lysine 1505 with a stop codon.
Molecular consequence: nonsense.
Genome position (GRCh38, 1-based): chr12:80,588,356, A>T. VCF-style: chr12-80588356-A-T. GRCh37 (hg19) VCF-style: chr12-80982135-A-T.
Other names: short protein forms K1505*.
Identifiers: ClinVar variation 5005186 (VCV005005186.2).

ClinVar aggregate classification (germline): Likely pathogenic (1 of 4 stars; one submission).

Conditions:
Autosomal recessive nonsyndromic hearing loss 84A. Also called: DEAFNESS, AUTOSOMAL RECESSIVE 84A; DEAFNESS, AUTOSOMAL RECESSIVE 84A, WITH VESTIBULAR DYSFUNCTION. Identifiers: Orphanet 90636, MedGen C3150654, MONDO:0013249, OMIM 613391.

Submission:

Juno Genomics, Hangzhou Juno Genomics, Inc
Classification: Likely pathogenic for Autosomal recessive nonsyndromic hearing loss 84A. Review status: criteria provided, single submitter. Criteria: ACMG Guidelines, 2015. Collection method: clinical testing. Allele origin: germline.
Comment: Null variant in a gene where loss of function (LOF) is a known mechanism of disease.;Absent from controls (or at extremely low frequency if recessive) in Genome Aggregation Database.